The following is an entry in ClinVar:

NM_031220.4(PITPNM3):c.2695T>C (p.Ser899Pro)

Gene: PITPNM3 (PITPNM family member 3; minus strand). Cytogenetic location: 17p13.2.
Variant type: single nucleotide variant.
Coding change: c.2695T>C on transcript NM_031220.4 (MANE Select); coding-DNA position 2695, T replaced by C.
Protein change: p.Ser899Pro; replaces serine 899 with proline.
Molecular consequence: missense variant.
Genome position (GRCh38, 1-based): chr17:6,455,568, A>G on the plus strand (T>C on the coding strand, the complement: PITPNM3 is on the minus strand). VCF-style: chr17-6455568-A-G. GRCh37 (hg19) VCF-style: chr17-6358888-A-G.
Other names: c.2587T>C, p.Ser863Pro (NM_001165966.2); short protein forms S863P, S899P.
Identifiers: ClinVar variation 4695555 (VCV004695555.1).

ClinVar aggregate classification (germline): Uncertain significance (1 of 4 stars; one submission).

Submission:

Labcorp Genetics (formerly Invitae), Labcorp
Classification: Uncertain significance. Last evaluated: 2025-06-22. Review status: criteria provided, single submitter. Criteria: Invitae Variant Classification Sherloc (09022015). Collection method: clinical testing. Allele origin: germline.
Comment: This sequence change replaces serine, which is neutral and polar, with proline, which is neutral and non-polar, at codon 899 of the PITPNM3 protein (p.Ser899Pro). This variant is not present in population databases (gnomAD no frequency). This variant has not been reported in the literature in individuals affected with PITPNM3-related conditions. Invitae Evidence Modeling of protein sequence and biophysical properties (such as structural, functional, and spatial information, amino acid conservation, physicochemical variation, residue mobility, and thermodynamic stability) indicates that this missense variant is not expected to disrupt PITPNM3 protein function with a negative predictive value of 80%. In summary, the available evidence is currently insufficient to determine the role of this variant in disease. Therefore, it has been classified as a Variant of Uncertain Significance.